The following is an entry in ClinVar:

ClinVar aggregate classification (germline): Pathogenic (1 of 4 stars; one submission).

Conditions:
Intellectual disability, X-linked 102 (MRXSSB). Also called: Intellectual developmental disorder, X-linked syndromic, Snijders Blok type. Identifiers: Orphanet 457260, MedGen C5393299, MONDO:0010497, OMIM 300958.

Submission:

Victorian Clinical Genetics Services, Murdoch Childrens Research Institute
Classification: Pathogenic for Intellectual disability, X-linked 102. Last evaluated: 2020-05-26. Review status: criteria provided, single submitter. Criteria: ACMG Guidelines, 2015. Collection method: clinical testing. Allele origin: germline. Inheritance: X-linked dominant inheritance.
Comment: Based on the classification scheme VCGS_Germline_v1.1.1, this variant is classified as Pathogenic. Following criteria are met: 0102 - Loss-of-function is a known mechanism of disease for this gene. (N) 0110 - This gene is known to be associated with X-linked disease (PMID: 26235985). (N) 0201 - Variant is predicted to cause nonsense-mediated decay (NMD) and loss of protein (exon 4 of 17). (P) 0251 - Variant is heterozygous. (N) 0301 - Variant is absent from gnomAD. (P) 0701 - Comparable variants have very strong previous evidence for pathogenicity. Many other NMD predicted variants have been reported in females with DDX3X-related intellectual disability (ClinVar, PMID: 26235985) (P) 0807 - Variant has not previously been reported in a clinical context. (N) 0905 - No segregation evidence has been identified for this variant. (N) 1007 - No published functional evidence has been identified for this variant. (P) Legend: (P) - Pathogenic, (N) - Neutral, (B) - Benign

Literature cited by the submitters: PubMed 26235985.

NM_001356.5(DDX3X):c.229_230dup (p.Asp77fs)

Gene: DDX3X (DEAD-box helicase 3 X-linked; plus strand). Cytogenetic location: Xp11.4.
Variant type: Duplication.
Coding change: c.229_230dup on transcript NM_001356.5 (MANE Select); coding-DNA positions 229 to 230, 2 bases duplicated (GA; older notation c.229_230dupGA).
Protein change: p.Asp77fs; shifts the reading frame from aspartic acid 77.
Molecular consequence: frameshift variant. On other transcripts: 5 prime UTR variant (1), non-coding transcript variant (1).
Genome position (GRCh38, 1-based): chrX:41,341,561-41,341,562, GA duplicated. VCF-style (leftmost placement, unchanged base first): chrX-41341560-T-TGA. GRCh37 (hg19) VCF-style: chrX-41200813-T-TGA.
Other names: c.229_230dup, p.Asp77fs (NM_001193416.3); c.181_182dup, p.Asp61fs (NM_001193417.3); c.-330_-329dup (NM_001363819.1); short protein forms D61fs, D77fs.
Identifiers: ClinVar variation 1805569 (VCV001805569.1), dbSNP rs2519505486, ClinGen allele CA923726124.